The following is an entry in ClinVar:

NM_018834.6(MATR3):c.*1425C>G

Gene: MATR3 (matrin 3; plus strand). Cytogenetic location: 5q31.2.
Variant type: single nucleotide variant.
Coding change: c.*1425C>G on transcript NM_018834.6 (MANE Select); 1425 bases downstream of the stop codon, C replaced by G.
Molecular consequence: 3 prime UTR variant.
Genome position (GRCh38, 1-based): chr5:139,330,820, C>G. VCF-style: chr5-139330820-C-G. GRCh37 (hg19) VCF-style: chr5-138666509-C-G.
Other names: NC_000005.9:g.138666509C>G; c.*1425C>G (NM_001194954.2, NM_001194955.2, NM_001194956.2 and 2 more transcripts).
Identifiers: ClinVar variation 351172 (VCV000351172.6), dbSNP rs145516036, ClinGen allele CA3433610.

ClinVar aggregate classification (germline): Benign (1 of 4 stars; one submission).

Conditions:
Amyotrophic lateral sclerosis type 21. Also called: VOCAL CORD AND PHARYNGEAL DYSFUNCTION WITH DISTAL MYOPATHY; MYOPATHY, DISTAL, 2. Identifiers: Orphanet 600, Orphanet 803, MedGen C3807521, MONDO:0011632, OMIM 606070.

Allele frequency attached by ClinVar (database versions not stated): 1000 Genomes Project 0.00579; 1000 Genomes Project 30x 0.00593; ExAC 0.00661; TOPMed 0.00982; gnomAD exomes 0.00985 and 0.01255; gnomAD 0.01077 and 0.01098.
gnomAD v4.1: 5,415 of 454,058 alleles (1.2%); highest among the groups gnomAD compares: Non-Finnish European, 1.8%; 54 homozygotes.

Submissions (6):

Illumina Laboratory Services, Illumina
Classification: Benign for Amyotrophic lateral sclerosis type 21. Last evaluated: 2018-01-12. Review status: criteria provided, single submitter. Criteria: ICSL Variant Classification Criteria 13 December 2019. Collection method: clinical testing. Allele origin: germline.
Comment: This variant was observed in the ICSL laboratory as part of a predisposition screen in an ostensibly healthy population. It had not been previously curated by ICSL or reported in the Human Gene Mutation Database (HGMD: prior to June 1st, 2018), and was therefore a candidate for classification through an automated scoring system. Utilizing variant allele frequency, disease prevalence and penetrance estimates, and inheritance mode, an automated score was calculated to assess if this variant is too frequent to cause the disease. Based on the score and internal cut-off values, a variant classified as benign is not then subjected to further curation. The score for this variant resulted in a classification of benign for this disease.

Dr. Peter K. Rogan Lab, Western University
No classification provided (evidence only). Condition: Ovarian serous cystadenocarcinoma. Review status: no classification provided. Collection method: in vitro. Allele origin: not applicable. Functional consequence: retained intron. Not counted in ClinVar's aggregate classification.

Dr. Peter K. Rogan Lab, Western University
No classification provided (evidence only). Condition: Chronic lymphocytic leukemia/small lymphocytic lymphoma. Review status: no classification provided. Collection method: in vitro. Allele origin: not applicable. Functional consequence: retained intron. Not counted in ClinVar's aggregate classification.

Dr. Peter K. Rogan Lab, Western University
No classification provided (evidence only). Condition: Chronic lymphocytic leukemia/small lymphocytic lymphoma. Review status: no classification provided. Collection method: in vitro. Allele origin: not applicable. Functional consequence: retained intron. Not counted in ClinVar's aggregate classification.

Dr. Peter K. Rogan Lab, Western University
No classification provided (evidence only). Condition: Ovarian cancer. Review status: no classification provided. Collection method: in vitro. Allele origin: not applicable. Functional consequence: retained intron. Not counted in ClinVar's aggregate classification.

Dr. Peter K. Rogan Lab, Western University
No classification provided (evidence only). Condition: Ovarian cancer. Review status: no classification provided. Collection method: in vitro. Allele origin: not applicable. Functional consequence: retained intron. Not counted in ClinVar's aggregate classification.